The following is an entry in ClinVar:

ClinVar aggregate classification (germline): Uncertain significance (1 of 4 stars; one submission).

Allele frequency attached by ClinVar (database versions not stated): gnomAD exomes below 0.00001.
gnomAD v4.1: 1 of 1,211,761 alleles (0.000083%); highest among the groups gnomAD compares: Non-Finnish European, 0.00011%; no homozygotes.

Submission:

Labcorp Genetics (formerly Invitae), Labcorp
Classification: Uncertain significance. Last evaluated: 2024-01-11. Review status: criteria provided, single submitter. Criteria: Invitae Variant Classification Sherloc (09022015). Collection method: clinical testing. Allele origin: germline.
Comment: This sequence change replaces aspartic acid, which is acidic and polar, with glutamic acid, which is acidic and polar, at codon 434 of the DRP2 protein (p.Asp434Glu). This variant is not present in population databases (gnomAD no frequency). This variant has not been reported in the literature in individuals affected with DRP2-related conditions. Advanced modeling of protein sequence and biophysical properties (such as structural, functional, and spatial information, amino acid conservation, physicochemical variation, residue mobility, and thermodynamic stability) performed at Invitae indicates that this missense variant is not expected to disrupt DRP2 protein function with a negative predictive value of 80%. In summary, the available evidence is currently insufficient to determine the role of this variant in disease. Therefore, it has been classified as a Variant of Uncertain Significance.

NM_001939.3(DRP2):c.1302T>A (p.Asp434Glu)

Gene: DRP2 (dystrophin related protein 2; plus strand). Cytogenetic location: Xq22.1.
Variant type: single nucleotide variant.
Coding change: c.1302T>A on transcript NM_001939.3 (MANE Select); coding-DNA position 1302, T replaced by A.
Protein change: p.Asp434Glu; replaces aspartic acid 434 with glutamic acid.
Molecular consequence: missense variant.
Genome position (GRCh38, 1-based): chrX:101,248,138, T>A. VCF-style: chrX-101248138-T-A. GRCh37 (hg19) VCF-style: chrX-100503127-T-A.
Other names: c.1068T>A, p.Asp356Glu (NM_001171184.2); short protein forms D356E, D434E.
Identifiers: ClinVar variation 2708610 (VCV002708610.3), dbSNP rs2520277665, ClinGen allele CA413925411.